The following is an entry in ClinVar:

ClinVar aggregate classification (germline): Uncertain significance (1 of 4 stars; one submission).

Allele frequency attached by ClinVar (database versions not stated): TOPMed 0.00002; gnomAD exomes below 0.00001; gnomAD 0.00001.
gnomAD v4.1: 3 of 1,608,418 alleles (0.00019%); highest among the groups gnomAD compares: Admixed American, 0.0033%; no homozygotes.

Submission:

Labcorp Genetics (formerly Invitae), Labcorp
Classification: Uncertain significance. Last evaluated: 2022-03-12. Review status: criteria provided, single submitter. Criteria: Invitae Variant Classification Sherloc (09022015). Collection method: clinical testing. Allele origin: germline.
Comment: This sequence change replaces isoleucine, which is neutral and non-polar, with valine, which is neutral and non-polar, at codon 47 of the DGUOK protein (p.Ile47Val). This variant is present in population databases (no rsID available, gnomAD 0.003%). This variant has not been reported in the literature in individuals affected with DGUOK-related conditions. Algorithms developed to predict the effect of missense changes on protein structure and function are either unavailable or do not agree on the potential impact of this missense change (SIFT: "Deleterious"; PolyPhen-2: "Benign"; Align-GVGD: "Class C0"). In summary, the available evidence is currently insufficient to determine the role of this variant in disease. Therefore, it has been classified as a Variant of Uncertain Significance.

NM_080916.3(DGUOK):c.139A>G (p.Ile47Val)

Genes: DGUOK (deoxyguanosine kinase; plus strand), LOC129934096 (ATAC-STARR-seq lymphoblastoid active region 16036; plus strand). Cytogenetic location: 2p13.1.
Variant type: single nucleotide variant.
Coding change: c.139A>G on transcript NM_080916.3 (MANE Select); coding-DNA position 139, A replaced by G.
Protein change: p.Ile47Val; replaces isoleucine 47 with valine.
Molecular consequence: missense variant. On other transcripts: 5 prime UTR variant (4), non-coding transcript variant (6).
Genome position (GRCh38, 1-based): chr2:73,927,049, A>G. VCF-style: chr2-73927049-A-G. GRCh37 (hg19) VCF-style: chr2-74154176-A-G.
Other names: c.139A>G, p.Ile47Val (NM_001318859.2, NM_080918.3); c.-40A>G (NM_001318860.2, NM_001318863.2); c.-126A>G (NM_001318861.2, NM_001318862.2); short protein forms I47V.
Identifiers: ClinVar variation 1964892 (VCV001964892.2), dbSNP rs1487792792, ClinGen allele CA347296812.